The following is an entry in ClinVar:

ClinVar aggregate classification (germline): Benign (1 of 4 stars; one submission).

Conditions:
DICER1-related tumor predisposition. Also called: DICER1-related pleuropulmonary blastoma cancer predisposition syndrome; DICER1 syndrome. Identifiers: Orphanet 284343, MedGen C3839822, MONDO:0100216.

Allele frequency attached by ClinVar (database versions not stated): 1000 Genomes Project 30x 0.00359; 1000 Genomes Project 0.00379; TOPMed 0.00597; gnomAD exomes 0.00663.
gnomAD v4.1: 1,734 of 232,748 alleles (0.75%); highest among the groups gnomAD compares: Non-Finnish European, 1.1%; 14 homozygotes.

Submission:

Illumina Laboratory Services, Illumina
Classification: Benign for Pleuropulmonary blastoma. Last evaluated: 2018-01-13. Review status: criteria provided, single submitter. Criteria: ICSL Variant Classification Criteria 13 December 2019. Collection method: clinical testing. Allele origin: germline.
Comment: This variant was observed in the ICSL laboratory as part of a predisposition screen in an ostensibly healthy population. It had not been previously curated by ICSL or reported in the Human Gene Mutation Database (HGMD: prior to June 1st, 2018), and was therefore a candidate for classification through an automated scoring system. Utilizing variant allele frequency, disease prevalence and penetrance estimates, and inheritance mode, an automated score was calculated to assess if this variant is too frequent to cause the disease. Based on the score and internal cut-off values, a variant classified as benign is not then subjected to further curation. The score for this variant resulted in a classification of benign for this disease.

NM_177438.3(DICER1):c.*3736T>G

Gene: DICER1 (dicer 1, ribonuclease III; minus strand). Cytogenetic location: 14q32.13.
Variant type: single nucleotide variant.
Coding change: c.*3736T>G on transcript NM_177438.3 (MANE Select); 3736 bases downstream of the stop codon, T replaced by G.
Molecular consequence: 3 prime UTR variant.
Genome position (GRCh38, 1-based): chr14:95,086,762, A>C on the plus strand (T>G on the coding strand, the complement: DICER1 is on the minus strand). VCF-style: chr14-95086762-A-C. GRCh37 (hg19) VCF-style: chr14-95553099-A-C.
Other names: c.*3852T>G (NM_001195573.1); c.*3736T>G (NM_001271282.3, NM_001291628.2, NM_030621.4).
Identifiers: ClinVar variation 315049 (VCV000315049.6), dbSNP rs80103767, ClinGen allele CA10646647.